The following is an entry in ClinVar:

NM_001110556.2(FLNA):c.469G>A (p.Glu157Lys)

Gene: FLNA (filamin A; minus strand). Cytogenetic location: Xq28.
Variant type: single nucleotide variant.
Coding change: c.469G>A on transcript NM_001110556.2 (MANE Select); coding-DNA position 469, G replaced by A.
Protein change: p.Glu157Lys; replaces glutamic acid 157 with lysine.
Molecular consequence: missense variant.
Genome position (GRCh38, 1-based): chrX:154,367,995, C>T on the plus strand (G>A on the coding strand, the complement: FLNA is on the minus strand). VCF-style: chrX-154367995-C-T. GRCh37 (hg19) VCF-style: chrX-153596363-C-T.
Other names: c.469G>A, p.Glu157Lys (NM_001456.4); short protein forms E157K.
Identifiers: ClinVar variation 4788848 (VCV004788848.1).

ClinVar aggregate classification (germline): Uncertain significance (1 of 4 stars; one submission).

Conditions:
Heterotopia, periventricular, X-linked dominant (PVNH1). Also called: PERIVENTRICULAR NODULAR HETEROTOPIA 4; HETEROTOPIA, PERIVENTRICULAR, 1; PERIVENTRICULAR NODULAR HETEROTOPIA 1; X-linked periventricular heterotopia. Identifiers: Orphanet 2149, Orphanet 82004, MedGen C1848213, MONDO:0010233, OMIM 300049.
Oto-palato-digital syndrome, type II (OPD2). Also called: Otopalatodigital Syndrome, Type II; FACIOPALATOOSSEOUS SYNDROME; OPD II SYNDROME; Otopalatodigital Syndrome Type 2 (FLNA-OPD2). Identifiers: Orphanet 669, Orphanet 90652, MedGen C1844696, MONDO:0010571, OMIM 304120.
Melnick-Needles syndrome (MNS). Also called: MELNICK-NEEDLES OSTEODYSPLASTY; OSTEODYSPLASTY OF MELNICK AND NEEDLES; Melnick-Needles Syndrome (FLNA-MNS). Identifiers: Orphanet 2484, MedGen C0025237, MONDO:0010650, OMIM 309350.
Frontometaphyseal dysplasia (FMD1). Identifiers: Orphanet 1826, MedGen C0265293, MONDO:0015942.

Submission:

Labcorp Genetics (formerly Invitae), Labcorp
Classification: Uncertain significance for Oto-palato-digital syndrome, type II; Heterotopia, periventricular, X-linked dominant; Frontometaphyseal dysplasia; Melnick-Needles syndrome. Last evaluated: 2025-05-05. Review status: criteria provided, single submitter. Criteria: Invitae Variant Classification Sherloc (09022015). Collection method: clinical testing. Allele origin: germline.
Comment: This sequence change replaces glutamic acid, which is acidic and polar, with lysine, which is basic and polar, at codon 157 of the FLNA protein (p.Glu157Lys). This variant is not present in population databases (gnomAD no frequency). This variant has not been reported in the literature in individuals affected with FLNA-related conditions. Invitae Evidence Modeling of protein sequence and biophysical properties (such as structural, functional, and spatial information, amino acid conservation, physicochemical variation, residue mobility, and thermodynamic stability) indicates that this missense variant is not expected to disrupt FLNA protein function with a negative predictive value of 95%. In summary, the available evidence is currently insufficient to determine the role of this variant in disease. Therefore, it has been classified as a Variant of Uncertain Significance.